The following is an entry in ClinVar:

NM_003128.3(SPTBN1):c.7052A>G (p.Lys2351Arg)

Genes: SPTBN1 (spectrin beta, non-erythrocytic 1; plus strand), SPTBN1-AS2 (SPTBN1 antisense RNA 2; minus strand). Cytogenetic location: 2p16.2.
Variant type: single nucleotide variant.
Coding change: c.7052A>G on transcript NM_003128.3 (MANE Select); coding-DNA position 7052, A replaced by G.
Protein change: p.Lys2351Arg; replaces lysine 2351 with arginine.
Molecular consequence: missense variant.
Genome position (GRCh38, 1-based): chr2:54,668,526, A>G. VCF-style: chr2-54668526-A-G. GRCh37 (hg19) VCF-style: chr2-54895663-A-G.
Other names: short protein forms K2351R.
Identifiers: ClinVar variation 1703109 (VCV001703109.3), dbSNP rs2549587586, ClinGen allele CA346863742.
Genomic context (GRCh38, chr2:54,668,526, plus strand): 5'-CCAGCGTCGTCACCATCACCAGCGAGTCCAGTCCCGGCAAGCGGGAAAAGGACAAAGAGA[A>G]AGACAAAGAGAAGCGGTTCAGCCTTTTTGGCAAAAAGAAATGAACTCCTTTCCTTCACCT-3'
Protein context (NP_003119.2, residues 2341-2361): SPGKREKDKE[Lys2351Arg]DKEKRFSLFG

ClinVar aggregate classification (germline): Uncertain significance (1 of 4 stars; one submission).

Submission:

Greenwood Genetic Center Diagnostic Laboratories, Greenwood Genetic Center
Classification: Uncertain significance. Last evaluated: 2022-06-15. Review status: criteria provided, single submitter. Criteria: ACMG Guidelines, 2015. Collection method: clinical testing. Allele origin: germline. Affected: yes.
Comment: PM2